The following is an entry in ClinVar:

NM_001382567.1(STIM1):c.1818C>A (p.Ser606Arg)

Genes: STIM1 (stromal interaction molecule 1; plus strand), LOC124418421 (Sharpr-MPRA regulatory region 9588; plus strand). Cytogenetic location: 11p15.4.
Variant type: single nucleotide variant.
Coding change: c.1818C>A on transcript NM_001382567.1 (MANE Select); coding-DNA position 1818, C replaced by A.
Protein change: p.Ser606Arg; replaces serine 606 with arginine.
Molecular consequence: missense variant. On other transcripts: 3 prime UTR variant (4), non-coding transcript variant (3).
Genome position (GRCh38, 1-based): chr11:4,091,465, C>A. VCF-style: chr11-4091465-C-A. GRCh37 (hg19) VCF-style: chr11-4112695-C-A.
Other names: c.1503C>A, p.Ser501Arg (NM_001382575.1, NM_001382576.1, NM_001382577.1); c.*139C>A (NM_001382578.1, NM_001382579.1, NM_001382580.1 and 1 more transcripts); c.1236C>A, p.Ser412Arg (NM_001382581.1); c.1725C>A, p.Ser575Arg (NM_003156.4); c.2043C>A, p.Ser681Arg (NM_001277961.3); c.1821C>A, p.Ser607Arg (NM_001382566.1); c.1746C>A, p.Ser582Arg (NM_001382568.1); c.1590C>A, p.Ser530Arg (NM_001382569.1); and 2 more; short protein forms S499R, S606R, S607R, S575R, S412R, S415R, S530R, S501R.
Identifiers: ClinVar variation 2057386 (VCV002057386.8), dbSNP rs761861717, ClinGen allele CA5830618.

ClinVar aggregate classification (germline): Uncertain significance. Review status: criteria provided, multiple submitters, no conflicts (2 of 4 stars). 4 submissions from 4 submitters: Uncertain significance (4). Last evaluated 2026-05-01.

Conditions:
Myopathy with tubular aggregates (TAM). Also called: Tubular Aggregate Myopathy. Identifiers: Orphanet 2593, MedGen C0410207, MONDO:0008051.
Stormorken syndrome (STRMK). Also called: THROMBOCYTOPATHY, ASPLENIA, AND MIOSIS. Identifiers: Orphanet 3204, MedGen C1861451, MONDO:0008497, OMIM 185070.
Combined immunodeficiency due to STIM1 deficiency. Also called: STIM1 DEFICIENCY; IMMUNODEFICIENCY 10. Identifiers: Orphanet 169090, Orphanet 317430, MedGen C2748557, MONDO:0013008, OMIM 612783.
Inborn genetic diseases. Identifiers: MedGen C0950123, MeSH D030342.

Allele frequency attached by ClinVar (database versions not stated): ExAC 0.00001; gnomAD exomes 0.00001.
gnomAD v4.1: 6 of 1,614,222 alleles (0.00037%); highest among the groups gnomAD compares: Admixed American, 0.0083%; no homozygotes.

Submissions (4):

CeGaT Center for Human Genetics Tuebingen
Classification: Uncertain significance. Last evaluated: 2026-05-01. Review status: criteria provided, single submitter. Criteria: CeGaT Center For Human Genetics Tuebingen Variant Classification Criteria Version 2. Collection method: clinical testing. Allele origin: germline. Affected: yes. Observed: 1 variant allele.
Comment: STIM1: PM2

Labcorp Genetics (formerly Invitae), Labcorp
Classification: Uncertain significance for Myopathy with tubular aggregates; Combined immunodeficiency due to STIM1 deficiency; Stormorken syndrome. Last evaluated: 2024-12-12. Review status: criteria provided, single submitter. Criteria: Invitae Variant Classification Sherloc (09022015). Collection method: clinical testing. Allele origin: germline.
Comment: This sequence change replaces serine, which is neutral and polar, with arginine, which is basic and polar, at codon 575 of the STIM1 protein (p.Ser575Arg). This variant is present in population databases (rs761861717, gnomAD 0.01%). This variant has not been reported in the literature in individuals affected with STIM1-related conditions. ClinVar contains an entry for this variant (Variation ID: 2057386). Invitae Evidence Modeling of protein sequence and biophysical properties (such as structural, functional, and spatial information, amino acid conservation, physicochemical variation, residue mobility, and thermodynamic stability) has been performed for this missense variant. However, the output from this modeling did not meet the statistical confidence thresholds required to predict the impact of this variant on STIM1 protein function. In summary, the available evidence is currently insufficient to determine the role of this variant in disease. Therefore, it has been classified as a Variant of Uncertain Significance.

Ambry Genetics
Classification: Uncertain significance for Inborn genetic diseases. Last evaluated: 2024-01-23. Review status: criteria provided, single submitter. Criteria: Ambry Variant Classification Scheme 2023. Collection method: clinical testing. Allele origin: germline.

GeneDx
Classification: Uncertain significance. Last evaluated: 2022-10-05. Review status: criteria provided, single submitter. Criteria: GeneDx Variant Classification Process June 2021. Collection method: clinical testing. Allele origin: germline. Affected: yes.
Comment: In silico analysis supports that this missense variant does not alter protein structure/function; Has not been previously published as pathogenic or benign to our knowledge